The following is an entry in ClinVar:

NM_002189.4(IL15RA):c.750T>C (p.Thr250=)

Gene: IL15RA (interleukin 15 receptor subunit alpha; minus strand). Cytogenetic location: 10p15.1.
Variant type: single nucleotide variant.
Coding change: c.750T>C on transcript NM_002189.4 (MANE Select); coding-DNA position 750, T replaced by C.
Protein change: p.Thr250=; no amino-acid change (threonine 250 retained).
Molecular consequence: synonymous variant. On other transcripts: 3 prime UTR variant (2), non-coding transcript variant (1).
Genome position (GRCh38, 1-based): chr10:5,953,149, A>G on the plus strand (T>C on the coding strand, the complement: IL15RA is on the minus strand). VCF-style: chr10-5953149-A-G. GRCh37 (hg19) VCF-style: chr10-5995112-A-G.
Other names: c.642T>C, p.Thr214= (NM_001243539.2); c.1008T>C, p.Thr336= (NM_001256765.1); c.*111T>C (NM_001351095.2, NM_001351096.1); c.543T>C, p.Thr181= (NM_001351097.2); c.651T>C, p.Thr217= (NM_172200.3).
Identifiers: ClinVar variation 2640291 (VCV002640291.24), dbSNP rs41290325, ClinGen allele CA5396898.
Genomic context (GRCh38, chr10:5,953,149, plus strand): 5'-CGAGTTTCATAGGTGGTGAGAGCAGTTTTCCAAGTCTTCATCTCTGCTGCTGGTCCCCCA[A>G]GTCACCGGCAGAGCCTCCATGGCTTCCATTTCAACGCTGGCCAGCGGGGGAGTTTGCCTG-3'
Protein context (NP_002180.1, residues 240-260): EMEAMEALPV[Thr250=]WGTSSRDEDL

ClinVar aggregate classification (germline): Likely benign (1 of 4 stars; one submission).

Allele frequency attached by ClinVar (database versions not stated): 1000 Genomes Project 0.00260; TOPMed 0.00339; gnomAD 0.00368; ExAC 0.00401; ESP Exome Variant Server 0.00431; 1000 Genomes Project 30x 0.00250.
gnomAD v4.1: 8,455 of 1,614,200 alleles (0.52%); highest among the groups gnomAD compares: Non-Finnish European, 0.61%; 31 homozygotes.

Submission:

CeGaT Center for Human Genetics Tuebingen
Classification: Likely benign. Last evaluated: 2023-03-01. Review status: criteria provided, single submitter. Criteria: CeGaT Center For Human Genetics Tuebingen Variant Classification Criteria Version 2. Collection method: clinical testing. Allele origin: germline. Affected: yes. Observed: 1 variant allele.
Comment: IL15RA: BP4, BP7, BS2